The following is an entry in ClinVar:

ClinVar aggregate classification (germline): Uncertain significance (1 of 4 stars; one submission).

Conditions:
Dyskeratosis congenita, autosomal dominant 2. Identifiers: MedGen C3151443, MONDO:0013521, OMIM 613989.
Idiopathic Pulmonary Fibrosis. Also called: Idiopathic fibrosing alveolitis, chronic form; idiopathic fibrosing alveolitis. Identifiers: Orphanet 2032, MedGen C1800706, MeSH D054990, MONDO:0800504.

Submission:

Labcorp Genetics (formerly Invitae), Labcorp
Classification: Uncertain significance for Dyskeratosis congenita, autosomal dominant 2; Idiopathic Pulmonary Fibrosis. Last evaluated: 2019-11-12. Review status: criteria provided, single submitter. Criteria: Invitae Variant Classification Sherloc (09022015). Collection method: clinical testing. Allele origin: germline.
Comment: This variant has not been reported in the literature in individuals with TERT-related conditions. Algorithms developed to predict the effect of missense changes on protein structure and function (SIFT, PolyPhen-2, Align-GVGD) all suggest that this variant is likely to be tolerated, but these predictions have not been confirmed by published functional studies and their clinical significance is uncertain. In summary, the available evidence is currently insufficient to determine the role of this variant in disease. Therefore, it has been classified as a Variant of Uncertain Significance. This sequence change replaces valine with leucine at codon 1090 of the TERT protein (p.Val1090Leu). The valine residue is weakly conserved and there is a small physicochemical difference between valine and leucine. This variant is not present in population databases (ExAC no frequency).

NM_198253.3(TERT):c.3268G>C (p.Val1090Leu)

Gene: TERT (telomerase reverse transcriptase; minus strand). Cytogenetic location: 5p15.33.
Variant type: single nucleotide variant.
Coding change: c.3268G>C on transcript NM_198253.3 (MANE Select); coding-DNA position 3268, G replaced by C.
Protein change: p.Val1090Leu; replaces valine 1090 with leucine.
Molecular consequence: missense variant. On other transcripts: non-coding transcript variant (2).
Genome position (GRCh38, 1-based): chr5:1,254,395, C>G on the plus strand (G>C on the coding strand, the complement: TERT is on the minus strand). VCF-style: chr5-1254395-C-G. GRCh37 (hg19) VCF-style: chr5-1254510-C-G.
Other names: c.3079G>C, p.Val1027Leu (NM_001193376.3); short protein forms V1027L, V1090L.
Identifiers: ClinVar variation 965571 (VCV000965571.10), dbSNP rs121918664, ClinGen allele CA359067163.